The following is an entry in ClinVar:

ClinVar aggregate classification (germline): Likely benign (1 of 4 stars; one submission).

gnomAD v4.1: 34 of 1,613,908 alleles (0.0021%); highest among the groups gnomAD compares: South Asian, 0.0033%; no homozygotes.

Submission:

CeGaT Center for Human Genetics Tuebingen
Classification: Likely benign. Last evaluated: 2025-03-01. Review status: criteria provided, single submitter. Criteria: CeGaT Center For Human Genetics Tuebingen Variant Classification Criteria Version 2. Collection method: clinical testing. Allele origin: germline. Affected: yes. Observed: 1 variant allele.
Comment: ZNF483: BP4, BP7

NM_133464.5(ZNF483):c.2166C>T (p.Asn722=)

Gene: ZNF483 (zinc finger protein 483; plus strand). Cytogenetic location: 9q31.3.
Variant type: single nucleotide variant.
Coding change: c.2166C>T on transcript NM_133464.5 (MANE Select); coding-DNA position 2166, C replaced by T.
Protein change: p.Asn722=; no amino-acid change (asparagine 722 retained).
Molecular consequence: synonymous variant. On other transcripts: intron variant (1).
Genome position (GRCh38, 1-based): chr9:111,543,101, C>T. VCF-style: chr9-111543101-C-T. GRCh37 (hg19) VCF-style: chr9-114305381-C-T.
Other names: c.721+8748C>T (NM_001007169.6).
Identifiers: ClinVar variation 3778337 (VCV003778337.7).